The following is an entry in ClinVar:

NM_000784.4(CYP27A1):c.1059G>T (p.Lys353Asn)

Gene: CYP27A1 (cytochrome P450 family 27 subfamily A member 1; plus strand). Cytogenetic location: 2q35.
Variant type: single nucleotide variant.
Coding change: c.1059G>T on transcript NM_000784.4 (MANE Select); coding-DNA position 1059, G replaced by T.
Protein change: p.Lys353Asn; replaces lysine 353 with asparagine.
Molecular consequence: missense variant.
Genome position (GRCh38, 1-based): chr2:218,814,062, G>T. VCF-style: chr2-218814062-G-T. GRCh37 (hg19) VCF-style: chr2-219678785-G-T.
Other names: c.1059G>T (NM_000784.3); short protein forms K353N.
Identifiers: ClinVar variation 1000596 (VCV001000596.9), dbSNP rs372343607, ClinGen allele CA2112791.

ClinVar aggregate classification (germline): Uncertain significance. Review status: criteria provided, multiple submitters, no conflicts (2 of 4 stars). 3 submissions from 3 submitters: Uncertain significance (2). 1 of the submissions does not count toward it. Last evaluated 2024-12-31.

Conditions:
Cholestanol storage disease (CTX). Also called: Cerebrotendinous Xanthomatosis; CEREBRAL CHOLESTERINOSIS; CTX: Cerebrotendinous xanthomatosis. Identifiers: Orphanet 909, MedGen C0238052, MONDO:0008948, OMIM 213700.
Cardiovascular phenotype. Identifiers: MedGen CN230736.

Allele frequency attached by ClinVar (database versions not stated): gnomAD exomes below 0.00001 and 0.00004; gnomAD 0.00001; ExAC 0.00002; TOPMed 0.00003; ESP Exome Variant Server 0.00008.
gnomAD v4.1: 52 of 1,614,108 alleles (0.0032%); highest among the groups gnomAD compares: Non-Finnish European, 0.0043%; no homozygotes.

Submissions (3):

Ambry Genetics
Classification: Uncertain significance for Cardiovascular phenotype. Last evaluated: 2024-12-31. Review status: criteria provided, single submitter. Criteria: Ambry Variant Classification Scheme 2023. Collection method: clinical testing. Allele origin: germline.
Comment: The p.K353N variant (also known as c.1059G>T), located in coding exon 6 of the CYP27A1 gene, results from a G to T substitution at nucleotide position 1059. The lysine at codon 353 is replaced by asparagine, an amino acid with similar properties. This amino acid position is conserved. In addition, this alteration is predicted to be tolerated by in silico analysis. Since supporting evidence is limited at this time, the clinical significance of this alteration remains unclear.

Labcorp Genetics (formerly Invitae), Labcorp
Classification: Uncertain significance for Cholestanol storage disease. Last evaluated: 2022-08-16. Review status: criteria provided, single submitter. Criteria: Invitae Variant Classification Sherloc (09022015). Collection method: clinical testing. Allele origin: germline.
Comment: This sequence change replaces lysine, which is basic and polar, with asparagine, which is neutral and polar, at codon 353 of the CYP27A1 protein (p.Lys353Asn). This variant is present in population databases (rs372343607, gnomAD 0.0009%). This variant has not been reported in the literature in individuals affected with CYP27A1-related conditions. ClinVar contains an entry for this variant (Variation ID: 1000596). Advanced modeling of protein sequence and biophysical properties (such as structural, functional, and spatial information, amino acid conservation, physicochemical variation, residue mobility, and thermodynamic stability) performed at Invitae indicates that this missense variant is not expected to disrupt CYP27A1 protein function. Algorithms developed to predict the effect of sequence changes on RNA splicing suggest that this variant may disrupt the consensus splice site. In summary, the available evidence is currently insufficient to determine the role of this variant in disease. Therefore, it has been classified as a Variant of Uncertain Significance.

Natera, Inc.
Classification: Uncertain significance for Cerebrotendinous xanthomatosis. Last evaluated: 2020-02-26. Review status: no assertion criteria provided. Collection method: clinical testing. Allele origin: germline. Not counted in ClinVar's aggregate classification.